The following is an entry in ClinVar:

NM_152641.4(ARID2):c.2185C>G (p.Pro729Ala)

Gene: ARID2 (AT-rich interaction domain 2; plus strand). Cytogenetic location: 12q12.
Variant type: single nucleotide variant.
Coding change: c.2185C>G on transcript NM_152641.4 (MANE Select); coding-DNA position 2185, C replaced by G.
Protein change: p.Pro729Ala; replaces proline 729 with alanine.
Molecular consequence: missense variant.
Genome position (GRCh38, 1-based): chr12:45,850,308, C>G. VCF-style: chr12-45850308-C-G. GRCh37 (hg19) VCF-style: chr12-46244091-C-G.
Other names: c.2185C>G, p.Pro729Ala (NM_001347839.2); short protein forms P729A.
Identifiers: ClinVar variation 1479561 (VCV001479561.8), dbSNP rs199620718, ClinGen allele CA236398930.

ClinVar aggregate classification (germline): Uncertain significance (1 of 4 stars; one submission).

Allele frequency attached by ClinVar (database versions not stated): gnomAD 0.00002; TOPMed 0.00002.
gnomAD v4.1: 7 of 1,613,952 alleles (0.00043%); highest among the groups gnomAD compares: Non-Finnish European, 0.00059%; no homozygotes.

Submission:

Labcorp Genetics (formerly Invitae), Labcorp
Classification: Uncertain significance. Last evaluated: 2021-06-18. Review status: criteria provided, single submitter. Criteria: Invitae Variant Classification Sherloc (09022015). Collection method: clinical testing. Allele origin: germline.
Comment: In summary, the available evidence is currently insufficient to determine the role of this variant in disease. Therefore, it has been classified as a Variant of Uncertain Significance. Algorithms developed to predict the effect of missense changes on protein structure and function are either unavailable or do not agree on the potential impact of this missense change (SIFT: "Deleterious"; PolyPhen-2: "Benign"; Align-GVGD: "Class C0"). This variant has not been reported in the literature in individuals with ARID2-related conditions. This variant is not present in population databases (ExAC no frequency). This sequence change replaces proline with alanine at codon 729 of the ARID2 protein (p.Pro729Ala). The proline residue is moderately conserved and there is a small physicochemical difference between proline and alanine.